The following is an entry in ClinVar:

ClinVar aggregate classification (germline): Uncertain significance (1 of 4 stars; one submission).

Conditions:
Hereditary diffuse gastric adenocarcinoma (HDGC). Also called: DIFFUSE GASTRIC AND LOBULAR BREAST CANCER SYNDROME. Identifiers: Orphanet 26106, MedGen C1708349, MONDO:0007648, OMIM 137215.

Submission:

Labcorp Genetics (formerly Invitae), Labcorp
Classification: Uncertain significance for Hereditary diffuse gastric adenocarcinoma. Last evaluated: 2022-07-29. Review status: criteria provided, single submitter. Criteria: Invitae Variant Classification Sherloc (09022015). Collection method: clinical testing. Allele origin: germline.
Comment: In summary, the available evidence is currently insufficient to determine the role of this variant in disease. Therefore, it has been classified as a Variant of Uncertain Significance. Algorithms developed to predict the effect of sequence changes on RNA splicing suggest that this variant may disrupt the consensus splice site. This variant has not been reported in the literature in individuals affected with CDH1-related conditions. This variant is not present in population databases (gnomAD no frequency). This sequence change affects codon 352 of the CDH1 mRNA. It is a 'silent' change, meaning that it does not change the encoded amino acid sequence of the CDH1 protein.

NM_004360.5(CDH1):c.1056T>C (p.Gly352=)

Gene: CDH1 (cadherin 1; plus strand). Cytogenetic location: 16q22.1.
Variant type: single nucleotide variant.
Coding change: c.1056T>C on transcript NM_004360.5 (MANE Select); coding-DNA position 1056, T replaced by C.
Protein change: p.Gly352=; no amino-acid change (glycine 352 retained).
Molecular consequence: synonymous variant. On other transcripts: 5 prime UTR variant (2).
Genome position (GRCh38, 1-based): chr16:68,812,182, T>C. VCF-style: chr16-68812182-T-C. GRCh37 (hg19) VCF-style: chr16-68846085-T-C.
Other names: c.1056T>C, p.Gly352= (NM_001317184.2); c.-560T>C (NM_001317185.2); c.-764T>C (NM_001317186.2).
Identifiers: ClinVar variation 2020347 (VCV002020347.4), dbSNP rs876658922, ClinGen allele CA496153042.